The following is an entry in ClinVar:

ClinVar aggregate classification (germline): Uncertain significance (1 of 4 stars; one submission).

Allele frequency attached by ClinVar (database versions not stated): gnomAD exomes below 0.00001.
gnomAD v4.1: 1 of 1,614,182 alleles (0.000062%); highest among the groups gnomAD compares: Non-Finnish European, 0.000085%; no homozygotes.

Submission:

Labcorp Genetics (formerly Invitae), Labcorp
Classification: Uncertain significance. Last evaluated: 2024-10-22. Review status: criteria provided, single submitter. Criteria: Invitae Variant Classification Sherloc (09022015). Collection method: clinical testing. Allele origin: germline.
Comment: This sequence change replaces aspartic acid, which is acidic and polar, with glutamic acid, which is acidic and polar, at codon 3583 of the LRP2 protein (p.Asp3583Glu). This variant is present in population databases (no rsID available, gnomAD 0.0009%). This variant has not been reported in the literature in individuals affected with LRP2-related conditions. ClinVar contains an entry for this variant (Variation ID: 1993411). Invitae Evidence Modeling of protein sequence and biophysical properties (such as structural, functional, and spatial information, amino acid conservation, physicochemical variation, residue mobility, and thermodynamic stability) indicates that this missense variant is expected to disrupt LRP2 protein function with a positive predictive value of 95%. In summary, the available evidence is currently insufficient to determine the role of this variant in disease. Therefore, it has been classified as a Variant of Uncertain Significance.

NM_004525.3(LRP2):c.10749T>G (p.Asp3583Glu)

Gene: LRP2 (LDL receptor related protein 2; minus strand). Cytogenetic location: 2q31.1.
Variant type: single nucleotide variant.
Coding change: c.10749T>G on transcript NM_004525.3 (MANE Select); coding-DNA position 10749, T replaced by G.
Protein change: p.Asp3583Glu; replaces aspartic acid 3583 with glutamic acid.
Molecular consequence: missense variant.
Genome position (GRCh38, 1-based): chr2:169,175,212, A>C on the plus strand (T>G on the coding strand, the complement: LRP2 is on the minus strand). VCF-style: chr2-169175212-A-C. GRCh37 (hg19) VCF-style: chr2-170031722-A-C.
Other names: short protein forms D3583E.
Identifiers: ClinVar variation 1993411 (VCV001993411.4), dbSNP rs1283018695, ClinGen allele CA349146336.